The following is an entry in ClinVar:

ClinVar aggregate classification (germline): Likely pathogenic. Review status: criteria provided, single submitter (1 of 4 stars). 4 submissions from 3 submitters: Likely pathogenic (2). 2 of the submissions do not count toward it. Last evaluated 2016-11-01.

Conditions:
Distal arthrogryposis. Identifiers: Orphanet 97120, MedGen C0265213, MONDO:0019942, HP:0005684.
PERCHING syndrome (PERCHING). Also called: Cold-induced sweating syndrome 3. Identifiers: Orphanet 157820, Orphanet 603684, MedGen C4310742, MONDO:0014890, OMIM 617055.
Retinitis pigmentosa 42 (RP42). Identifiers: Orphanet 791, MedGen C2751986, MONDO:0013052, OMIM 612943.
Ulnar deviation of the wrist. Identifiers: MedGen C0231678, HP:0003049.

Allele frequency attached by ClinVar (database versions not stated): gnomAD exomes below 0.00001.
gnomAD v4.1: 2 of 1,613,312 alleles (0.00012%); highest among the groups gnomAD compares: Non-Finnish European, 0.00017%; no homozygotes.

Submissions (4):

Equipe Genetique des Anomalies du Developpement, Université de Bourgogne
Classification: Likely pathogenic for Ulnar deviation of the wrist. Last evaluated: 2016-11-01. Review status: criteria provided, single submitter. Criteria: ACMG Guidelines, 2015. Collection method: research. Allele origin: inherited. Affected: yes. Observed: 1 variant allele.

Equipe Genetique des Anomalies du Developpement, Université de Bourgogne
Classification: Likely pathogenic for Distal arthrogryposis. Last evaluated: 2014-01-01. Review status: criteria provided, single submitter. Criteria: ACMG Guidelines, 2007. Collection method: clinical testing. Allele origin: inherited. Affected: yes.

Solve-RD Consortium
Classification: Likely pathogenic for Retinitis pigmentosa 42. Last evaluated: 2022-06-01. Review status: no assertion criteria provided. Collection method: provider interpretation. Allele origin: inherited. Affected: yes. Not counted in ClinVar's aggregate classification.
Comment: Variant confirmed as disease-causing by referring clinical team

Variant identified during reanalysis of unsolved cases by the Solve-RD project. The Solve-RD project has received funding from the European Union’s Horizon 2020 research and innovation programme under grant agreement No 779257.

OMIM
Classification: Pathogenic for PERCHING SYNDROME. Last evaluated: 2020-01-09. Review status: no assertion criteria provided. Collection method: literature only. Allele origin: germline. Not counted in ClinVar's aggregate classification.

Literature cited by the submitters: PubMed 39825153 (cited by Solve-RD Consortium); PubMed 29074562 (cited by OMIM).

NM_001031710.3(KLHL7):c.618+1G>A

Gene: KLHL7 (kelch like family member 7; plus strand). Cytogenetic location: 7p15.3.
Variant type: single nucleotide variant.
Coding change: c.618+1G>A on transcript NM_001031710.3 (MANE Select); the canonical splice donor site of the intron after coding-DNA position 618, G replaced by A.
Molecular consequence: splice donor variant.
Genome position (GRCh38, 1-based): chr7:23,140,945, G>A. VCF-style: chr7-23140945-G-A. GRCh37 (hg19) VCF-style: chr7-23180564-G-A.
Other names: IVSDS, G-A, +1; c.474+1G>A (NM_018846.5).
Identifiers: ClinVar variation 487514 (VCV000487514.2), dbSNP rs1554289078, ClinGen allele CA366976530.